The following is an entry in ClinVar:

NM_015030.2(FRYL):c.2285C>T (p.Ser762Leu)

Gene: FRYL (FRY like transcription coactivator; minus strand). Cytogenetic location: 4p11.
Variant type: single nucleotide variant.
Coding change: c.2285C>T on transcript NM_015030.2 (MANE Select); coding-DNA position 2285, C replaced by T.
Protein change: p.Ser762Leu; replaces serine 762 with leucine.
Molecular consequence: missense variant.
Genome position (GRCh38, 1-based): chr4:48,579,216, G>A on the plus strand (C>T on the coding strand, the complement: FRYL is on the minus strand). VCF-style: chr4-48579216-G-A. GRCh37 (hg19) VCF-style: chr4-48581233-G-A.
Other names: short protein forms S762L.
Identifiers: ClinVar variation 3097084 (VCV003097084.2), dbSNP rs2478347034, ClinGen allele CA356867255.

ClinVar aggregate classification (germline): Uncertain significance. Review status: criteria provided, multiple submitters, no conflicts (2 of 4 stars). 2 submissions from 2 submitters: Uncertain significance (2). Last evaluated 2025-04-07.

Conditions:
Pan-Chung-Bellen syndrome. Identifiers: MedGen C5975547, MONDO:0975953, OMIM 621049.

Allele frequency attached by ClinVar (database versions not stated): gnomAD exomes below 0.00001.
gnomAD v4.1: 3 of 1,612,958 alleles (0.00019%); highest among the groups gnomAD compares: East Asian, 0.0022%; no homozygotes.

Submissions (2):

Clinical Genomics Laboratory, Washington University in St. Louis
Classification: Uncertain significance for Pan-Chung-Bellen syndrome. Last evaluated: 2025-04-07. Review status: criteria provided, single submitter. Criteria: ACMG Guidelines, 2015. Collection method: clinical testing. Allele origin: germline.
Comment: The FRYL c.2285C>T (p.Ser762Leu) variant, to our knowledge, has not been reported in the medical literature. This variant is only observed in 3/1,612,958 alleles in the general population (gnomAD v4.1.0), indicating it is not a common variant. Computational predictors suggest that the variant does not impact FRYL function. Due to limited information, and based on ACMG/AMP guidelines for variant interpretation (Richards S et al., PMID: 25741868), the clinical significance of this variant is uncertain at this time.

Ambry Genetics
Classification: Uncertain significance. Last evaluated: 2024-01-22. Review status: criteria provided, single submitter. Criteria: Ambry Variant Classification Scheme 2023. Collection method: clinical testing. Allele origin: germline.